The following is an entry in ClinVar:

Conditions:
Breast-ovarian cancer, familial, susceptibility to, 1 (BROVCA1). Also called: BRCA1 Hereditary Breast and Ovarian Cancer; OVARIAN CANCER, SUSCEPTIBILITY TO. Identifiers: Orphanet 145, MedGen C2676676, MONDO:0011450, OMIM 604370. Disease mechanism: loss of function.

Submission:

Brotman Baty Institute, University of Washington
No classification provided (evidence only). Condition: Breast-ovarian cancer, familial 1. Review status: no classification provided. Collection method: in vitro. Allele origin: not applicable. Functional consequence: functionally_normal.
ClinVar note: "not provided" was previously submitted as the classification for the variant. However, the classification appeared to be based only on an observation of functional data so it was converted to no classification on 2025-07-30.

NM_007294.4(BRCA1):c.5467+11T>A

Gene: BRCA1 (BRCA1 DNA repair associated; minus strand). Cytogenetic location: 17q21.31.
Variant type: single nucleotide variant.
Coding change: c.5467+11T>A on transcript NM_007294.4 (MANE Select); 11 bases into the intron after coding-DNA position 5467, T replaced by A.
Molecular consequence: intron variant.
Genome position (GRCh38, 1-based): chr17:43,047,632, A>T on the plus strand (T>A on the coding strand, the complement: BRCA1 is on the minus strand). VCF-style: chr17-43047632-A-T. GRCh37 (hg19) VCF-style: chr17-41199649-A-T.
Other names: c.2014+11T>A (NM_001408458.1, NM_001408461.1, NM_001408464.1 and 7 more transcripts); c.4576+11T>A (NM_001407967.1); c.5086+11T>A (NM_001407959.1); c.5200+11T>A (NM_001407931.1, NM_001407932.1, NM_001407928.1 and 4 more transcripts); c.5323+11T>A (NM_001407747.1, NM_001407745.1, NM_001407737.1 and 18 more transcripts); c.5083+11T>A (NM_001407962.1, NM_001407960.1); c.1654+11T>A (NM_001408512.1); c.1777+11T>A (NM_001408510.1); and 83 more.
Identifiers: ClinVar variation 868932 (VCV000868932.3), dbSNP rs2050973142, ClinGen allele CA916080756.
Genomic context (GRCh38, chr17:43,047,632, plus strand): 5'-CAGGTAATGAGTGATAAACCAAACCCATGCAAAAGGACCCCATATAGCACAGGTACATGC[A>T]GGCACCTTACCATGGAAGCCATTGTCCTCTGTCCAGGCATCTGGCTGCACAACCACAATT-3'